The following is an entry in ClinVar:

ClinVar aggregate classification (germline): Benign/Likely benign. Review status: criteria provided, multiple submitters, no conflicts (2 of 4 stars). 8 submissions from 8 submitters: Benign (5); Likely benign (2). 1 of the submissions does not count toward it. Last evaluated 2026-02-03.

Conditions:
Inborn genetic diseases. Identifiers: MedGen C0950123, MeSH D030342.
Pitt-Hopkins-like syndrome 2 (PTHSL2). Identifiers: Orphanet 221150, Orphanet 600663, MedGen C3280479, MONDO:0013690, OMIM 614325.

Allele frequency attached by ClinVar (database versions not stated): gnomAD exomes 0.00130; ExAC 0.00185; 1000 Genomes Project 0.00479; gnomAD 0.00536 and 0.00578; 1000 Genomes Project 30x 0.00547; ESP Exome Variant Server 0.00598; TOPMed 0.00632.
gnomAD v4.1: 1,610 of 1,606,518 alleles (0.1%); highest among the groups gnomAD compares: African/African-American, 1.8%; 15 homozygotes.

Submissions (8):

Labcorp Genetics (formerly Invitae), Labcorp
Classification: Benign for Pitt-Hopkins-like syndrome 2. Last evaluated: 2026-02-03. Review status: criteria provided, single submitter. Criteria: Invitae Variant Classification Sherloc (09022015). Collection method: clinical testing. Allele origin: germline.

Athena Diagnostics
Classification: Benign. Last evaluated: 2024-09-30. Review status: criteria provided, single submitter. Criteria: Athena Diagnostics Criteria. Collection method: clinical testing. Allele origin: unknown.

Mayo Clinic Laboratories, Mayo Clinic
Classification: Benign. Last evaluated: 2019-04-30. Review status: criteria provided, single submitter. Criteria: ACMG Guidelines, 2015. Collection method: clinical testing. Allele origin: germline. Observed: 5 variant alleles.

Illumina Laboratory Services, Illumina
Classification: Benign for Pitt-Hopkins-like syndrome 2. Last evaluated: 2018-01-13. Review status: criteria provided, single submitter. Criteria: ICSL Variant Classification Criteria 13 December 2019. Collection method: clinical testing. Allele origin: germline.
Comment: This variant was observed in the ICSL laboratory as part of a predisposition screen in an ostensibly healthy population. It had not been previously curated by ICSL or reported in the Human Gene Mutation Database (HGMD: prior to June 1st, 2018), and was therefore a candidate for classification through an automated scoring system. Utilizing variant allele frequency, disease prevalence and penetrance estimates, and inheritance mode, an automated score was calculated to assess if this variant is too frequent to cause the disease. Based on the score and internal cut-off values, a variant classified as benign is not then subjected to further curation. The score for this variant resulted in a classification of benign for this disease.

Ambry Genetics
Classification: Likely benign for Inborn genetic diseases. Last evaluated: 2016-05-14. Review status: criteria provided, single submitter. Criteria: Ambry Variant Classification Scheme 2023. Collection method: clinical testing. Allele origin: germline.

GeneDx
Classification: Benign. Last evaluated: 2012-05-10. Review status: criteria provided, single submitter. Criteria: GeneDx Variant Classification (06012015). Collection method: clinical testing. Allele origin: germline. Affected: yes.
Comment: This variant is considered likely benign or benign based on one or more of the following criteria: it is a conservative change, it occurs at a poorly conserved position in the protein, it is predicted to be benign by multiple in silico algorithms, and/or has population frequency not consistent with disease.

Breakthrough Genomics
Classification: Likely benign. Review status: criteria provided, single submitter. Criteria: ACMG Guidelines, 2015. Collection method: not provided. Allele origin: germline. Inheritance: Autosomal recessive inheritance. Affected: yes.

Genetic Services Laboratory, University of Chicago
Classification: Likely benign for AllHighlyPenetrant. Review status: no assertion criteria provided. Collection method: clinical testing. Allele origin: germline. Inheritance: Autosomal recessive inheritance. Not counted in ClinVar's aggregate classification.
Comment: Likely benign based on allele frequency in 1000 Genomes Project or ESP global frequency and its presence in a patient with a rare or unrelated disease phenotype. NOT Sanger confirmed.

NM_001330078.2(NRXN1):c.3249C>T (p.Pro1083=)

Gene: NRXN1 (neurexin 1; minus strand). Cytogenetic location: 2p16.3.
Variant type: single nucleotide variant.
Coding change: c.3249C>T on transcript NM_001330078.2 (MANE Select); coding-DNA position 3249, C replaced by T.
Protein change: p.Pro1083=; no amino-acid change (proline 1083 retained).
Molecular consequence: synonymous variant.
Genome position (GRCh38, 1-based): chr2:50,465,557, G>A on the plus strand (C>T on the coding strand, the complement: NRXN1 is on the minus strand). VCF-style: chr2-50465557-G-A. GRCh37 (hg19) VCF-style: chr2-50692695-G-A.
Other names: p.P1123P:CCC>CCT; p.Pro1123=; c.3369C>T, p.Pro1123= (NM_001135659.3); c.3225C>T, p.Pro1075= (NM_001330077.2, NM_001330082.2); c.3183C>T, p.Pro1061= (NM_001330083.2, NM_001330084.2); c.3222C>T, p.Pro1074= (NM_001330085.2); c.3249C>T, p.Pro1083= (NM_001330086.2, NM_004801.6); c.3138C>T, p.Pro1046= (NM_001330087.2, NM_001330096.2); and 5 more.
Identifiers: ClinVar variation 129820 (VCV000129820.27), dbSNP rs116236999, ClinGen allele CA288970.
Genomic context (GRCh38, chr2:50,465,557, plus strand): 5'-ATCCCATTGTTGCAAGCACACACCTTGATTGGAACATGAGTCCTCTTGGCAGGTTGTGCT[G>A]GGCCCTGCAAAACAATCCAAAGGAAACTTGGGTTCTTTAAAAGAATCCAAAAGCATTTTA-3'
Protein context (NP_001317007.1, residues 1073-1093): NGQIERGCEG[Pro1083=]STTCQEDSCS